The following is an entry in ClinVar:

NM_000038.6(APC):c.7424C>G (p.Thr2475Ser)

Gene: APC (APC regulator of Wnt signaling pathway; plus strand). Cytogenetic location: 5q22.2.
Variant type: single nucleotide variant.
Coding change: c.7424C>G on transcript NM_000038.6 (MANE Select); coding-DNA position 7424, C replaced by G.
Protein change: p.Thr2475Ser; replaces threonine 2475 with serine.
Molecular consequence: missense variant.
Genome position (GRCh38, 1-based): chr5:112,843,018, C>G. VCF-style: chr5-112843018-C-G. GRCh37 (hg19) VCF-style: chr5-112178715-C-G.
Other names: c.7424C>G, p.Thr2475Ser (NM_001127510.3, NM_001354895.2); c.7370C>G, p.Thr2457Ser (NM_001127511.3); c.7478C>G, p.Thr2493Ser (NM_001354896.2); c.7454C>G, p.Thr2485Ser (NM_001354897.2); c.7349C>G, p.Thr2450Ser (NM_001354898.2); c.7340C>G, p.Thr2447Ser (NM_001354899.2); c.7301C>G, p.Thr2434Ser (NM_001354900.2); c.7247C>G, p.Thr2416Ser (NM_001354901.2); and 5 more; short protein forms T2374S, T2384S, T2450S, T2475S, T2192S, T2315S, T2493S, T2416S.
Identifiers: ClinVar variation 827038 (VCV000827038.14), dbSNP rs1554088345, ClinGen allele CA16037488.

ClinVar aggregate classification (germline): Uncertain significance. Review status: criteria provided, multiple submitters, no conflicts (2 of 4 stars). 2 submissions from 2 submitters: Uncertain significance (2). Last evaluated 2025-05-17.

Conditions:
Hereditary cancer-predisposing syndrome. Also called: Neoplastic Syndromes, Hereditary; Tumor predisposition; Hereditary neoplastic syndrome; Hereditary Cancer Syndrome. Identifiers: Orphanet 140162, MedGen C0027672, MeSH D009386, MONDO:0015356.
Familial adenomatous polyposis 1 (FAP1). Also called: POLYPOSIS, ADENOMATOUS INTESTINAL; FAMILIAL ADENOMATOUS POLYPOSIS 1, ATTENUATED. Identifiers: MedGen C2713442, MONDO:0021056, OMIM 175100. Disease mechanism: loss of function.

Submissions (2):

Ambry Genetics
Classification: Uncertain significance for Hereditary cancer-predisposing syndrome. Last evaluated: 2025-05-17. Review status: criteria provided, single submitter. Criteria: Ambry Variant Classification Scheme 2023. Collection method: clinical testing. Allele origin: germline.
Comment: The p.T2475S variant (also known as c.7424C>G), located in coding exon 15 of the APC gene, results from a C to G substitution at nucleotide position 7424. The threonine at codon 2475 is replaced by serine, an amino acid with similar properties. This amino acid position is well conserved in available vertebrate species. In addition, in silico predictors for this gene do not accurately predict pathogenicity. Since supporting evidence is limited at this time, the clinical significance of this alteration remains unclear.

Labcorp Genetics (formerly Invitae), Labcorp
Classification: Uncertain significance for Familial adenomatous polyposis 1. Last evaluated: 2025-04-13. Review status: criteria provided, single submitter. Criteria: Invitae Variant Classification Sherloc (09022015). Collection method: clinical testing. Allele origin: germline.
Comment: This sequence change replaces threonine, which is neutral and polar, with serine, which is neutral and polar, at codon 2475 of the APC protein (p.Thr2475Ser). This variant is not present in population databases (gnomAD no frequency). This variant has not been reported in the literature in individuals affected with APC-related conditions. ClinVar contains an entry for this variant (Variation ID: 827038). Invitae Evidence Modeling of protein sequence and biophysical properties (such as structural, functional, and spatial information, amino acid conservation, physicochemical variation, residue mobility, and thermodynamic stability) indicates that this missense variant is not expected to disrupt APC protein function with a negative predictive value of 95%. RNA analysis performed to evaluate the impact of this missense change on mRNA splicing indicates it does not significantly alter splicing (internal data). In summary, the available evidence is currently insufficient to determine the role of this variant in disease. Therefore, it has been classified as a Variant of Uncertain Significance.